The following is an entry in ClinVar:

ClinVar aggregate classification (germline): Uncertain significance (1 of 4 stars; one submission).

Conditions:
Oligodontia-cancer predisposition syndrome. Also called: TOOTH AGENESIS-COLORECTAL CANCER SYNDROME. Identifiers: Orphanet 300576, MedGen C1837750, MONDO:0012075, OMIM 608615. Disease mechanism: loss of function.

Allele frequency attached by ClinVar (database versions not stated): gnomAD exomes below 0.00001.

Submission:

Labcorp Genetics (formerly Invitae), Labcorp
Classification: Uncertain significance for Oligodontia-colorectal cancer syndrome. Last evaluated: 2019-10-10. Review status: criteria provided, single submitter. Criteria: Invitae Variant Classification Sherloc (09022015). Collection method: clinical testing. Allele origin: germline.
Comment: This sequence change replaces leucine with methionine at codon 764 of the AXIN2 protein (p.Leu764Met). The leucine residue is moderately conserved and there is a small physicochemical difference between leucine and methionine. This variant is not present in population databases (ExAC no frequency). This variant has not been reported in the literature in individuals with AXIN2-related conditions. Algorithms developed to predict the effect of missense changes on protein structure and function are either unavailable or do not agree on the potential impact of this missense change (SIFT: "Tolerated"; PolyPhen-2: "Possibly Damaging"; Align-GVGD: "Class C0"). In summary, the available evidence is currently insufficient to determine the role of this variant in disease. Therefore, it has been classified as a Variant of Uncertain Significance.

NM_004655.4(AXIN2):c.2290T>A (p.Leu764Met)

Gene: AXIN2 (axin 2; minus strand). Cytogenetic location: 17q24.1.
Variant type: single nucleotide variant.
Coding change: c.2290T>A on transcript NM_004655.4 (MANE Select); coding-DNA position 2290, T replaced by A.
Protein change: p.Leu764Met; replaces leucine 764 with methionine.
Molecular consequence: missense variant.
Genome position (GRCh38, 1-based): chr17:65,534,027, A>T on the plus strand (T>A on the coding strand, the complement: AXIN2 is on the minus strand). VCF-style: chr17-65534027-A-T. GRCh37 (hg19) VCF-style: chr17-63530145-A-T.
Other names: c.2095T>A, p.Leu699Met (NM_001363813.1); short protein forms L699M, L764M.
Identifiers: ClinVar variation 968354 (VCV000968354.1), dbSNP rs2043867231, ClinGen allele CA400675578.